The following is an entry in ClinVar:

ClinVar aggregate classification (germline): Pathogenic (1 of 4 stars; one submission).

Conditions:
Pitt-Hopkins syndrome (PTHS). Also called: ENCEPHALOPATHY, SEVERE EPILEPTIC, WITH AUTONOMIC DYSFUNCTION; MENTAL RETARDATION, SYNDROMAL, WITH INTERMITTENT HYPERVENTILATION. Identifiers: Orphanet 2896, MedGen C1970431, MONDO:0012589, OMIM 610954.

Submission:

Women's Health and Genetics/Laboratory Corporation of America, LabCorp
Classification: Pathogenic for Pitt-Hopkins syndrome. Last evaluated: 2026-06-16. Review status: criteria provided, single submitter. Criteria: LabCorp Variant Classification Summary - May 2015. Collection method: clinical testing. Allele origin: germline.
Comment: Variant summary: The variant involves the deletion of exons 1-3 in the TCF4 gene. A presumed nomenclature of c.(?_-176)_(145+1_146-1)del has been designated for the purposes of this classification. The exact breakpoint at the 5' end of this variant is unknown, therefore this deletion may extend upstream of the annotated region of this gene. Although the exact breakpoints of this deletion are not known, it is predicted to remove the initiation codon and result in an absence of protein or a truncation of the encoded protein due to translation initiation at a downstream site. Loss-of-function variants in this gene are known to be pathogenic. The variant was absent in 20780 control chromosomes. c.(?_-176)_(145+1_146-1)del has been observed in individuals affected with a mild Pitt-Hopkins syndrome phenotype (e.g. Masson_2022). These data indicate that the variant is likely associated with disease. The following publication has been ascertained in the context of this evaluation (PMID: 35189377). ClinVar contains an entry for this variant (Variation ID: 1326873). Based on the evidence outlined above, the variant was classified as pathogenic.

Literature cited by the submitters: PubMed 35189377.

NC_000018.9:g.(53131369_53252510)_(53255424_?)del

Gene: TCF4 (transcription factor 4; minus strand). Cytogenetic location: 18q21.2.
Variant type: Deletion.
Identifiers: ClinVar variation 4887215 (VCV004887215.1).